The following is an entry in ClinVar:

ClinVar aggregate classification (germline): Pathogenic (1 of 4 stars; one submission).

Conditions:
Developmental and epileptic encephalopathy. Identifiers: MedGen C5779964, MONDO:0100620.

Submission:

Labcorp Genetics (formerly Invitae), Labcorp
Classification: Pathogenic for Early-infantile DEE. Last evaluated: 2022-10-03. Review status: criteria provided, single submitter. Criteria: Invitae Variant Classification Sherloc (09022015). Collection method: clinical testing. Allele origin: germline.
Comment: A gross deletion of the genomic region encompassing the full coding sequence of the KCNQ2 gene has been identified. Loss-of-function variants in KCNQ2 are known to be pathogenic (PMID: 14534157, 23692823, 27779742). The boundaries of this event are unknown as they extend beyond the assayed region for this gene and therefore may encompass additional genes. Isolated whole-gene deletions of KCNQ2 have not been reported in the literature. However, larger copy number events that include this gene have been reported (PMID: 19822871, 23360469, 24811917). For these reasons, this variant has been classified as Pathogenic.

Literature cited by the submitters: PubMed 14534157; PubMed 23692823; PubMed 27779742; PubMed 19822871; PubMed 23360469; PubMed 24811917.

NC_000020.10:g.(?_61978090)_(62324656_?)del

Genes: CHRNA4 (cholinergic receptor nicotinic alpha 4 subunit; minus strand), EEF1A2 (eukaryotic translation elongation factor 1 alpha 2; minus strand), FNDC11 (fibronectin type III domain containing 11; plus strand), GMEB2 (glucocorticoid modulatory element binding protein 2; minus strand), HELZ2 (helicase with zinc finger 2; minus strand) and 6 more. Cytogenetic location: 20q13.33.
Variant type: Deletion.
Identifiers: ClinVar variation 2427484 (VCV002427484.3).